The following is an entry in ClinVar:

NM_000528.4(MAN2B1):c.237_238del (p.Lys79fs)

Gene: MAN2B1 (mannosidase alpha class 2B member 1; minus strand). Cytogenetic location: 19p13.13.
Variant type: Deletion.
Coding change: c.237_238del on transcript NM_000528.4 (MANE Select); coding-DNA positions 237 to 238, 2 bases deleted (AA; older notation c.237_238delAA).
Protein change: p.Lys79fs; shifts the reading frame from lysine 79.
Molecular consequence: frameshift variant.
Genome position (GRCh38, 1-based): chr19:12,665,727-12,665,728, TT deleted on the plus strand (AA on the coding strand, the reverse complement: MAN2B1 is on the minus strand); deleting any 2 consecutive bases within chr19:12,665,727-12,665,730 gives the same sequence; the c. name uses the placement nearest the transcript's 3' end. VCF-style (leftmost placement, unchanged base first): chr19-12665726-GTT-G. GRCh37 (hg19) VCF-style: chr19-12776540-GTT-G.
Other names: c.237_238del, p.Lys79fs (NM_001173498.2); short protein forms K79fs.
Identifiers: ClinVar variation 1350785 (VCV001350785.6), dbSNP rs2145290586, ClinGen allele CA2573156084.

ClinVar aggregate classification (germline): Pathogenic (1 of 4 stars; one submission).

Conditions:
Deficiency of alpha-mannosidase (MANSA). Also called: LYSOSOMAL ALPHA-D-MANNOSIDASE DEFICIENCY; Alpha-Mannosidosis; Mannosidosis, alpha-, types I and II. Identifiers: Orphanet 61, MedGen C0024748, MONDO:0009561, OMIM 248500.

Submission:

Labcorp Genetics (formerly Invitae), Labcorp
Classification: Pathogenic for Deficiency of alpha-mannosidase. Last evaluated: 2021-05-18. Review status: criteria provided, single submitter. Criteria: Invitae Variant Classification Sherloc (09022015). Collection method: clinical testing. Allele origin: germline.
Comment: For these reasons, this variant has been classified as Pathogenic. This variant has not been reported in the literature in individuals with MAN2B1-related conditions. This variant is not present in population databases (ExAC no frequency). This sequence change creates a premature translational stop signal (p.Lys79Asnfs*12) in the MAN2B1 gene. It is expected to result in an absent or disrupted protein product. Loss-of-function variants in MAN2B1 are known to be pathogenic (PMID: 9915946, 22161967).

Literature cited by the submitters: PubMed 9915946; PubMed 22161967.